The following is an entry in ClinVar:

NM_000424.4(KRT5):c.30G>A (p.Arg10=)

Gene: KRT5 (keratin 5; minus strand). Cytogenetic location: 12q13.13.
Variant type: single nucleotide variant.
Coding change: c.30G>A on transcript NM_000424.4 (MANE Select); coding-DNA position 30, G replaced by A.
Protein change: p.Arg10=; no amino-acid change (arginine 10 retained).
Molecular consequence: synonymous variant.
Genome position (GRCh38, 1-based): chr12:52,520,267, C>T on the plus strand (G>A on the coding strand, the complement: KRT5 is on the minus strand). VCF-style: chr12-52520267-C-T. GRCh37 (hg19) VCF-style: chr12-52914051-C-T.
Identifiers: ClinVar variation 256042 (VCV000256042.15), dbSNP rs61747182, ClinGen allele CA6582955.
Genomic context (GRCh38, chr12:52,520,267, plus strand): 5'-GGTGCGGGAGACAGACGGGGTGATGGCAGAGGCGGTGCTGAAGCTACGACTGCCCCCGCT[C>T]CGGAAGGACACACTTGACTGGCGAGACATGGTGGCTTGTTCCTGGTGGAGCAAGAGAACC-3'
Protein context (NP_000415.2, residues 1-20): MSRQSSVSF[Arg10=]SGGSRSFSTA

ClinVar aggregate classification (germline): Benign/Likely benign. Review status: criteria provided, multiple submitters, no conflicts (2 of 4 stars). 4 submissions from 4 submitters: Benign (2); Likely benign (2). Last evaluated 2024-11-14.

Conditions:
Epidermolysis bullosa simplex. Also called: Epidermolysis bullosa simplex, Weber-Cockayne type (subtype); Epidermolysis bullosa simplex, Dowling-Meara type (subtype); Epidermolysis bullosa simplex with mottled pigmentation (subtype). Identifiers: Orphanet 304, MedGen C0079298, MONDO:0017610.

Allele frequency attached by ClinVar (database versions not stated): gnomAD exomes 0.00177; ExAC 0.00211; ESP Exome Variant Server 0.00616; 1000 Genomes Project 30x 0.00890; gnomAD 0.00726 and 0.00780; TOPMed 0.00804; 1000 Genomes Project 0.00859.

Submissions (4):

Labcorp Genetics (formerly Invitae), Labcorp
Classification: Benign. Last evaluated: 2024-11-14. Review status: criteria provided, single submitter. Criteria: Invitae Variant Classification Sherloc (09022015). Collection method: clinical testing. Allele origin: germline.

Illumina Laboratory Services, Illumina
Classification: Benign for Epidermolysis bullosa simplex. Last evaluated: 2018-01-13. Review status: criteria provided, single submitter. Criteria: ICSL Variant Classification Criteria 13 December 2019. Collection method: clinical testing. Allele origin: germline.
Comment: This variant was observed in the ICSL laboratory as part of a predisposition screen in an ostensibly healthy population. It had not been previously curated by ICSL or reported in the Human Gene Mutation Database (HGMD: prior to June 1st, 2018), and was therefore a candidate for classification through an automated scoring system. Utilizing variant allele frequency, disease prevalence and penetrance estimates, and inheritance mode, an automated score was calculated to assess if this variant is too frequent to cause the disease. Based on the score and internal cut-off values, a variant classified as benign is not then subjected to further curation. The score for this variant resulted in a classification of benign for this disease.

Breakthrough Genomics
Classification: Likely benign. Review status: criteria provided, single submitter. Criteria: ACMG Guidelines, 2015. Collection method: not provided. Allele origin: germline. Inheritance: Autosomal recessive inheritance. Affected: yes.

PreventionGenetics, part of Exact Sciences
Classification: Likely benign. Review status: criteria provided, single submitter. Criteria: ACMG Guidelines, 2015. Collection method: clinical testing. Allele origin: germline.